The following is an entry in ClinVar:

ClinVar aggregate classification (germline): Uncertain significance (1 of 4 stars; one submission).

Submission:

Greenwood Genetic Center Diagnostic Laboratories, Greenwood Genetic Center
Classification: Uncertain significance. Last evaluated: 2025-12-30. Review status: criteria provided, single submitter. Criteria: ACMG Guidelines, 2015. Collection method: clinical testing. Allele origin: germline. Affected: yes.
Comment: PM2

NM_001127898.4(CLCN5):c.261C>A (p.Phe87Leu)

Gene: CLCN5 (Cl-/H+ antiporter 5; plus strand). Cytogenetic location: Xp11.23.
Variant type: single nucleotide variant.
Coding change: c.261C>A on transcript NM_001127898.4 (MANE Select); coding-DNA position 261, C replaced by A.
Protein change: p.Phe87Leu; replaces phenylalanine 87 with leucine.
Molecular consequence: missense variant. On other transcripts: non-coding transcript variant (1).
Genome position (GRCh38, 1-based): chrX:50,069,976, C>A. VCF-style: chrX-50069976-C-A. GRCh37 (hg19) VCF-style: chrX-49834631-C-A.
Other names: c.51C>A, p.Phe17Leu (NM_000084.5); c.261C>A, p.Phe87Leu (NM_001127899.4); c.111C>A, p.Phe37Leu (NM_001282163.2); c.273C>A, p.Phe91Leu (NM_001440756.1, NM_001440757.1); short protein forms F17L, F37L, F87L, F91L.
Identifiers: ClinVar variation 4845563 (VCV004845563.1).